The following is an entry in ClinVar:

NM_004859.4(CLTC):c.1631C>T (p.Ala544Val)

Gene: CLTC (clathrin heavy chain; plus strand). Cytogenetic location: 17q23.1.
Variant type: single nucleotide variant.
Coding change: c.1631C>T on transcript NM_004859.4 (MANE Select); coding-DNA position 1631, C replaced by T.
Protein change: p.Ala544Val; replaces alanine 544 with valine.
Molecular consequence: missense variant.
Genome position (GRCh38, 1-based): chr17:59,664,896, C>T. VCF-style: chr17-59664896-C-T. GRCh37 (hg19) VCF-style: chr17-57742257-C-T.
Other names: c.1643C>T, p.Ala548Val (NM_001288653.2); short protein forms A548V, A544V.
Identifiers: ClinVar variation 3651780 (VCV003651780.2).

ClinVar aggregate classification (germline): Uncertain significance (1 of 4 stars; one submission).

gnomAD v4.1: 1 of 1,614,046 alleles (0.000062%); highest among the groups gnomAD compares: Non-Finnish European, 0.000085%; no homozygotes.

Submission:

Labcorp Genetics (formerly Invitae), Labcorp
Classification: Uncertain significance. Last evaluated: 2024-11-16. Review status: criteria provided, single submitter. Criteria: Invitae Variant Classification Sherloc (09022015). Collection method: clinical testing. Allele origin: germline.
Comment: This sequence change replaces alanine, which is neutral and non-polar, with valine, which is neutral and non-polar, at codon 548 of the CLTC protein (p.Ala548Val). This variant is present in population databases (rs771432222, gnomAD 0.0009%). This variant has not been reported in the literature in individuals affected with CLTC-related conditions. Invitae Evidence Modeling of protein sequence and biophysical properties (such as structural, functional, and spatial information, amino acid conservation, physicochemical variation, residue mobility, and thermodynamic stability) indicates that this missense variant is not expected to disrupt CLTC protein function with a negative predictive value of 80%. In summary, the available evidence is currently insufficient to determine the role of this variant in disease. Therefore, it has been classified as a Variant of Uncertain Significance.